The following is an entry in ClinVar:

ClinVar aggregate classification (germline): Uncertain significance (1 of 4 stars; one submission).

Submission:

Labcorp Genetics (formerly Invitae), Labcorp
Classification: Uncertain significance. Last evaluated: 2026-01-05. Review status: criteria provided, single submitter. Criteria: Invitae Variant Classification Sherloc (09022015). Collection method: clinical testing. Allele origin: germline.
Comment: This sequence change replaces serine, which is neutral and polar, with glycine, which is neutral and non-polar, at codon 218 of the ITSN2 protein (p.Ser218Gly). This variant is not present in population databases (gnomAD no frequency). This variant has not been reported in the literature in individuals affected with ITSN2-related conditions. An algorithm developed to predict the effect of missense changes on protein structure and function (PolyPhen-2) suggests that this variant is likely to be disruptive. Algorithms developed to predict the effect of sequence changes on RNA splicing suggest that this variant may disrupt the consensus splice site. In summary, the available evidence is currently insufficient to determine the role of this variant in disease. Therefore, it has been classified as a Variant of Uncertain Significance.

NM_006277.3(ITSN2):c.652A>G (p.Ser218Gly)

Gene: ITSN2 (intersectin 2; minus strand). Cytogenetic location: 2p23.3.
Variant type: single nucleotide variant.
Coding change: c.652A>G on transcript NM_006277.3 (MANE Select); coding-DNA position 652, A replaced by G.
Protein change: p.Ser218Gly; replaces serine 218 with glycine.
Molecular consequence: missense variant.
Genome position (GRCh38, 1-based): chr2:24,310,285, T>C on the plus strand (A>G on the coding strand, the complement: ITSN2 is on the minus strand). VCF-style: chr2-24310285-T-C. GRCh37 (hg19) VCF-style: chr2-24533154-T-C.
Other names: c.610A>G, p.Ser204Gly (NM_001348181.2, NM_001348184.2); c.652A>G, p.Ser218Gly (NM_001348182.2, NM_001348183.2, NM_001348185.2 and 3 more transcripts); short protein forms S204G, S218G.
Identifiers: ClinVar variation 4797759 (VCV004797759.1).
Genomic context (GRCh38, chr2:24,310,285, plus strand): 5'-TGTTAAATAAAGACTTCTTACTGAAAGCATAAAAAGTTGTCAGAGTTAGCTATTCATACC[T>C]ACTAGATCCTAAATCAATCAGAGACTGCGCTTTCTGTATACTAGCACCTCCAAATCCTCC-3'
Protein context (NP_006268.2, residues 208-228): AQSLIDLGSS[Ser218Gly]STSSTASLSG